The following is an entry in ClinVar:

NC_000002.12:g.(?_107988146)_(108963283_?)dup

Genes: LIMS1 (LIM zinc finger domain containing 1; plus strand), RANBP2 (RAN binding protein 2; plus strand), GCC2 (GRIP and coiled-coil domain containing 2; plus strand), CCDC138 (coiled-coil domain containing 138; plus strand), EDAR (ectodysplasin A receptor; minus strand) and 4 more. Cytogenetic location: 2q12.3.
Variant type: Duplication.
Identifiers: ClinVar variation 833287 (VCV000833287.1).

ClinVar aggregate classification (germline): Uncertain significance (1 of 4 stars; one submission).

Conditions:
Congenital myasthenic syndrome 20. Also called: Myasthenic syndrome, congenital, 20, presynaptic. Identifiers: MedGen C4310694, MONDO:0014939, OMIM 617143.
Neuronopathy, distal hereditary motor, type 7A. Also called: Neuronopathy, distal hereditary motor, type viia; HARPER-YOUNG MYOPATHY; HMN VIIA; SPINAL MUSCULAR ATROPHY, DISTAL, WITH VOCAL CORD PARALYSIS; NEURONOPATHY, DISTAL HEREDITARY MOTOR, HARDING TYPE VIIA; NEUROPATHY, DISTAL HEREDITARY MOTOR, HARDING TYPE VIIA. Identifiers: Orphanet 139589, MedGen C1834703, MONDO:0008024, OMIM 158580.

Submission:

Labcorp Genetics (formerly Invitae), Labcorp
Classification: Uncertain significance for Neuronopathy, distal hereditary motor, type viia; Myasthenic syndrome, congenital, 20, presynaptic. Last evaluated: 2019-11-04. Review status: criteria provided, single submitter. Criteria: Invitae Variant Classification Sherloc (09022015). Collection method: clinical testing. Allele origin: germline.
Comment: This variant results in a copy number gain of the genomic region encompassing the full coding sequence of the SLC5A7 gene. The boundaries of this event are unknown as they extend beyond the assayed region for this gene and therefore may encompass additional genes. As the precise location of this event is unknown, it may be in tandem or it may be located elsewhere in the genome. This variant has not been reported in the literature in individuals with SLC5A7-related disease. In summary, the available evidence is currently insufficient to determine the role of this variant in disease. Therefore, it has been classified as a Variant of Uncertain Significance.